The following is an entry in ClinVar:

ClinVar aggregate classification (germline): Uncertain significance (1 of 4 stars; one submission).

Conditions:
CLCN1-related disorder. Also called: CLCN1-related condition.

gnomAD v4.1: 2 of 1,603,140 alleles (0.00012%); highest among the groups gnomAD compares: East Asian, 0.0045%; no homozygotes.

Submission:

PreventionGenetics, part of Exact Sciences
Classification: Uncertain significance for CLCN1-related condition. Last evaluated: 2024-11-12. Review status: criteria provided, single submitter. Criteria: ACMG Guidelines, 2015. Collection method: clinical testing. Allele origin: germline.
Comment: The CLCN1 c.2169C>A variant is predicted to result in the amino acid substitution p.Ser723Arg. This variant was reported in an individual with myotonia congenita (Li et al. 2022. PubMed ID: 35170402). This variant has not been reported in a large population database (gnomAD), indicating this variant is rare. Although we suspect that this variant may be pathogenic, at this time, the clinical significance of this variant is uncertain due to the absence of conclusive functional and genetic evidence.

NM_000083.3(CLCN1):c.2169C>A (p.Ser723Arg)

Gene: CLCN1 (chloride voltage-gated channel 1; plus strand). Cytogenetic location: 7q34.
Variant type: single nucleotide variant.
Coding change: c.2169C>A on transcript NM_000083.3 (MANE Select); coding-DNA position 2169, C replaced by A.
Protein change: p.Ser723Arg; replaces serine 723 with arginine.
Molecular consequence: missense variant. On other transcripts: non-coding transcript variant (1).
Genome position (GRCh38, 1-based): chr7:143,345,759, C>A. VCF-style: chr7-143345759-C-A. GRCh37 (hg19) VCF-style: chr7-143042852-C-A.
Other names: short protein forms S723R.
Identifiers: ClinVar variation 4987357 (VCV004987357.1).
Genomic context (GRCh38, chr7:143,345,759, plus strand): 5'-CCGGCCCGAGTCCTTCGCCTTTGTGGATGAGGATGAGGACGAAGACCTCTCTGGCAAGAG[C>A]GAGGTGACCGCGCCGGGAAGGGCTAGGGAGTGGGATAGATCAGGAGCAAAGGGAAAAGCG-3'
Protein context (NP_000074.3, residues 713-733): EDEDEDLSGK[Ser723Arg]ELPPSLALHP